The following is an entry in ClinVar:

ClinVar aggregate classification (germline): Uncertain significance (1 of 4 stars; one submission).

Conditions:
Sphingolipid activator protein 1 deficiency. Also called: METACHROMATIC LEUKODYSTROPHY DUE TO CEREBROSIDE SULFATASE ACTIVATOR DEFICIENCY; Metachromatic leukodystrophy due to saposin B deficiency; Saposin B Deficiency. Identifiers: Orphanet 512, MedGen C0268262, MONDO:0009590, OMIM 249900.

Allele frequency attached by ClinVar (database versions not stated): gnomAD exomes 0.00001.
gnomAD v4.1: 3 of 1,614,160 alleles (0.00019%); highest among the groups gnomAD compares: South Asian, 0.0033%; no homozygotes.

Submission:

Labcorp Genetics (formerly Invitae), Labcorp
Classification: Uncertain significance for Sphingolipid activator protein 1 deficiency. Last evaluated: 2021-04-27. Review status: criteria provided, single submitter. Criteria: Invitae Variant Classification Sherloc (09022015). Collection method: clinical testing. Allele origin: germline.
Comment: Algorithms developed to predict the effect of missense changes on protein structure and function output the following: SIFT: "Not Available"; PolyPhen-2: "Benign"; Align-GVGD: "Not Available". The asparagine amino acid residue is found in multiple mammalian species, suggesting that this missense change does not adversely affect protein function. These predictions have not been confirmed by published functional studies and their clinical significance is uncertain. This sequence change replaces lysine with asparagine at codon 152 of the PSAP protein (p.Lys152Asn). The lysine residue is moderately conserved and there is a moderate physicochemical difference between lysine and asparagine. This variant is not present in population databases (ExAC no frequency). This variant has not been reported in the literature in individuals with PSAP-related conditions. In summary, the available evidence is currently insufficient to determine the role of this variant in disease. Therefore, it has been classified as a Variant of Uncertain Significance.

NM_002778.4(PSAP):c.456G>C (p.Lys152Asn)

Gene: PSAP (prosaposin; minus strand). Cytogenetic location: 10q22.1.
Variant type: single nucleotide variant.
Coding change: c.456G>C on transcript NM_002778.4 (MANE Select); coding-DNA position 456, G replaced by C.
Protein change: p.Lys152Asn; replaces lysine 152 with asparagine.
Molecular consequence: missense variant.
Genome position (GRCh38, 1-based): chr10:71,828,997, C>G on the plus strand (G>C on the coding strand, the complement: PSAP is on the minus strand). VCF-style: chr10-71828997-C-G. GRCh37 (hg19) VCF-style: chr10-73588754-C-G.
Other names: c.456G>C, p.Lys152Asn (NM_001042465.3, NM_001042466.3); short protein forms K152N.
Identifiers: ClinVar variation 1424420 (VCV001424420.6), dbSNP rs1302474021, ClinGen allele CA377152436.